The following is an entry in ClinVar:

ClinVar aggregate classification (germline): Benign/Likely benign. Review status: criteria provided, multiple submitters, no conflicts (2 of 4 stars). 4 submissions from 4 submitters: Benign (1); Likely benign (3). Last evaluated 2026-03-01.

Allele frequency attached by ClinVar (database versions not stated): gnomAD 0.00015 and 0.00021; TOPMed 0.00022; ESP Exome Variant Server 0.00023; gnomAD exomes 0.00031 and 0.00043; ExAC 0.00040.
gnomAD v4.1: 491 of 1,614,130 alleles (0.03%); highest among the groups gnomAD compares: Middle Eastern, 0.21%; 7 homozygotes.

Submissions (4):

CeGaT Center for Human Genetics Tuebingen
Classification: Likely benign. Last evaluated: 2026-03-01. Review status: criteria provided, single submitter. Criteria: CeGaT Center For Human Genetics Tuebingen Variant Classification Criteria Version 2. Collection method: clinical testing. Allele origin: germline. Affected: yes. Observed: 2 variant alleles.
Comment: PAFAH1B1: BP4, BP7

Labcorp Genetics (formerly Invitae), Labcorp
Classification: Benign. Last evaluated: 2025-06-17. Review status: criteria provided, single submitter. Criteria: Invitae Variant Classification Sherloc (09022015). Collection method: clinical testing. Allele origin: germline.

Blueprint Genetics
Classification: Likely benign. Last evaluated: 2024-06-06. Review status: criteria provided, single submitter. Criteria: ACMG Guidelines, 2015. Collection method: clinical testing. Allele origin: germline.

Eurofins Ntd Llc (ga)
Classification: Likely benign. Last evaluated: 2018-04-16. Review status: criteria provided, single submitter. Criteria: EGL ClinVar v180209 classification definitions. Collection method: clinical testing. Allele origin: germline. Observed: 1 variant allele, 1 heterozygote.

NM_000430.4(PAFAH1B1):c.1110G>A (p.Lys370=)

Gene: PAFAH1B1 (platelet activating factor acetylhydrolase 1b regulatory subunit 1; plus strand). Cytogenetic location: 17p13.3.
Variant type: single nucleotide variant.
Coding change: c.1110G>A on transcript NM_000430.4 (MANE Select); coding-DNA position 1110, G replaced by A.
Protein change: p.Lys370=; no amino-acid change (lysine 370 retained).
Molecular consequence: synonymous variant.
Genome position (GRCh38, 1-based): chr17:2,680,271, G>A. VCF-style: chr17-2680271-G-A. GRCh37 (hg19) VCF-style: chr17-2583565-G-A.
Identifiers: ClinVar variation 596719 (VCV000596719.21), dbSNP rs147983048, ClinGen allele CA8283319.